The following is an entry in ClinVar:

NC_000013.10:g.(?_21086562)_(21212677_?)dup

Genes: CRYL1 (crystallin lambda 1; minus strand), IFT88 (intraflagellar transport 88; plus strand). Cytogenetic location: 13q12.11.
Variant type: Duplication.
Identifiers: ClinVar variation 2427538 (VCV002427538.4).

ClinVar aggregate classification (germline): Uncertain significance (1 of 4 stars; one submission).

Submission:

Labcorp Genetics (formerly Invitae), Labcorp
Classification: Uncertain significance. Last evaluated: 2023-06-11. Review status: criteria provided, single submitter. Criteria: Invitae Variant Classification Sherloc (09022015). Collection method: clinical testing. Allele origin: germline.
Comment: This variant results in a copy number gain of the genomic region encompassing exon(s) 1-19 of the IFT88 gene. This region includes the initiator codon of the gene. This copy number gain extends beyond the assayed region for this gene and therefore may encompass additional genes. As the precise location of this event is unknown, it may be in tandem or it may be located elsewhere in the genome. In summary, the available evidence is currently insufficient to determine the role of this variant in disease. Therefore, it has been classified as a Variant of Uncertain Significance. This variant has not been reported in the literature in individuals affected with IFT88-related conditions.